The following is an entry in ClinVar:

ClinVar aggregate classification (germline): Uncertain significance (1 of 4 stars; one submission).

Conditions:
Muscular dystrophy-dystroglycanopathy (congenital with brain and eye anomalies), type A9. Also called: WALKER-WARBURG SYNDROME OR MUSCLE-EYE BRAIN DISEASE, DAG1-RELATED; Muscular dystrophy-dystroglycanopathy (congenital with brain and eye anomalies), type a, 9. Identifiers: Orphanet 370997, Orphanet 899, MedGen C4225291, MONDO:0014683, OMIM 616538.
Autosomal recessive limb-girdle muscular dystrophy type 2P. Also called: MUSCULAR DYSTROPHY-DYSTROGLYCANOPATHY, LIMB-GIRDLE, DAG1-RELATED; MUSCULAR DYSTROPHY, LIMB-GIRDLE, TYPE 2P; Limb-Girdle Muscular Dystrophy Type 9C. Identifiers: Orphanet 280333, MedGen C4511963, MONDO:0013440, OMIM 613818.

Allele frequency attached by ClinVar (database versions not stated): gnomAD exomes below 0.00001.
gnomAD v4.1: 1 of 1,614,018 alleles (0.000062%); highest among the groups gnomAD compares: Non-Finnish European, 0.000085%; no homozygotes.

Submission:

Labcorp Genetics (formerly Invitae), Labcorp
Classification: Uncertain significance for Autosomal recessive limb-girdle muscular dystrophy type 2P; Muscular dystrophy-dystroglycanopathy (congenital with brain and eye anomalies), type A9. Last evaluated: 2020-02-05. Review status: criteria provided, single submitter. Criteria: Invitae Variant Classification Sherloc (09022015). Collection method: clinical testing. Allele origin: germline.
Comment: In summary, the available evidence is currently insufficient to determine the role of this variant in disease. Therefore, it has been classified as a Variant of Uncertain Significance. Algorithms developed to predict the effect of missense changes on protein structure and function (SIFT, PolyPhen-2, Align-GVGD) all suggest that this variant is likely to be tolerated, but these predictions have not been confirmed by published functional studies and their clinical significance is uncertain. This variant has not been reported in the literature in individuals with DAG1-related conditions. This variant is not present in population databases (ExAC no frequency). This sequence change replaces proline with serine at codon 434 of the DAG1 protein (p.Pro434Ser). The proline residue is highly conserved and there is a moderate physicochemical difference between proline and serine.

NM_004393.6(DAG1):c.1300C>T (p.Pro434Ser)

Gene: DAG1 (dystroglycan 1; plus strand). Cytogenetic location: 3p21.31.
Variant type: single nucleotide variant.
Coding change: c.1300C>T on transcript NM_004393.6 (MANE Select); coding-DNA position 1300, C replaced by T.
Protein change: p.Pro434Ser; replaces proline 434 with serine.
Molecular consequence: missense variant.
Genome position (GRCh38, 1-based): chr3:49,531,811, C>T. VCF-style: chr3-49531811-C-T. GRCh37 (hg19) VCF-style: chr3-49569244-C-T.
Other names: c.1300C>T, p.Pro434Ser (NM_001165928.4, NM_001177634.3, NM_001177635.3 and 9 more transcripts); short protein forms P434S.
Identifiers: ClinVar variation 1045286 (VCV001045286.5), dbSNP rs2051356312, ClinGen allele CA352795118.